The following is an entry in ClinVar:

ClinVar aggregate classification (germline): Benign (1 of 4 stars; one submission).

Conditions:
Maple syrup urine disease (MSUD). Identifiers: Orphanet 511, MedGen C0024776, MeSH D008375, MONDO:0009563. Disease mechanism: loss of function.

Allele frequency attached by ClinVar (database versions not stated): 1000 Genomes Project 0.71546; 1000 Genomes Project 30x 0.71768; gnomAD 0.77595 and 0.78112; TOPMed 0.77887.

Submission:

Illumina Laboratory Services, Illumina
Classification: Benign for Maple syrup urine disease type 1A. Last evaluated: 2018-01-12. Review status: criteria provided, single submitter. Criteria: ICSL Variant Classification Criteria 13 December 2019. Collection method: clinical testing. Allele origin: germline.
Comment: This variant was observed in the ICSL laboratory as part of a predisposition screen in an ostensibly healthy population. It had not been previously curated by ICSL or reported in the Human Gene Mutation Database (HGMD: prior to June 1st, 2018), and was therefore a candidate for classification through an automated scoring system. Utilizing variant allele frequency, disease prevalence and penetrance estimates, and inheritance mode, an automated score was calculated to assess if this variant is too frequent to cause the disease. Based on the score and internal cut-off values, a variant classified as benign is not then subjected to further curation. The score for this variant resulted in a classification of benign for this disease.

NM_183050.4(BCKDHB):c.*789C>T

Gene: BCKDHB (branched chain keto acid dehydrogenase E1 subunit beta; plus strand). Cytogenetic location: 6q14.1.
Variant type: single nucleotide variant.
Coding change: c.*789C>T on transcript NM_183050.4 (MANE Select); 789 bases downstream of the stop codon, C replaced by T.
Molecular consequence: 3 prime UTR variant. On other transcripts: non-coding transcript variant (1), intron variant (1).
Genome position (GRCh38, 1-based): chr6:80,344,593, C>T. VCF-style: chr6-80344593-C-T. GRCh37 (hg19) VCF-style: chr6-81054310-C-T.
Other names: c.*789C>T (NM_001318975.1); c.*8+781C>T (NM_000056.5).
Identifiers: ClinVar variation 358190 (VCV000358190.5), dbSNP rs4706118, ClinGen allele CA10627774.